The following is an entry in ClinVar:

ClinVar aggregate classification (germline): Uncertain significance (1 of 4 stars; one submission).

Submission:

Labcorp Genetics (formerly Invitae), Labcorp
Classification: Uncertain significance. Last evaluated: 2025-08-16. Review status: criteria provided, single submitter. Criteria: Invitae Variant Classification Sherloc (09022015). Collection method: clinical testing. Allele origin: germline.
Comment: This sequence change replaces histidine, which is basic and polar, with arginine, which is basic and polar, at codon 51 of the ANKRD26 protein (p.His51Arg). This variant is not present in population databases (gnomAD no frequency). This variant has not been reported in the literature in individuals affected with ANKRD26-related conditions. An algorithm developed to predict the effect of missense changes on protein structure and function (PolyPhen-2) suggests that this variant is likely to be disruptive. In summary, the available evidence is currently insufficient to determine the role of this variant in disease. Therefore, it has been classified as a Variant of Uncertain Significance.

NM_014915.3(ANKRD26):c.152A>G (p.His51Arg)

Genes: ANKRD26 (ankyrin repeat domain 26; minus strand), LOC130003554 (ATAC-STARR-seq lymphoblastoid silent region 2243; plus strand). Cytogenetic location: 10p12.1.
Variant type: single nucleotide variant.
Coding change: c.152A>G on transcript NM_014915.3 (MANE Select); coding-DNA position 152, A replaced by G.
Protein change: p.His51Arg; replaces histidine 51 with arginine.
Molecular consequence: missense variant.
Genome position (GRCh38, 1-based): chr10:27,100,175, T>C on the plus strand (A>G on the coding strand, the complement: ANKRD26 is on the minus strand). VCF-style: chr10-27100175-T-C. GRCh37 (hg19) VCF-style: chr10-27389104-T-C.
Other names: c.152A>G, p.His51Arg (NM_001256053.2); short protein forms H51R.
Identifiers: ClinVar variation 4763315 (VCV004763315.1).